The following is an entry in ClinVar:

NM_000540.3(RYR1):c.7445-2A>C

Gene: RYR1 (ryanodine receptor 1; plus strand). Cytogenetic location: 19q13.2.
Variant type: single nucleotide variant.
Coding change: c.7445-2A>C on transcript NM_000540.3 (MANE Select); the canonical splice acceptor site of the intron before coding-DNA position 7445, A replaced by C.
Molecular consequence: splice acceptor variant.
Genome position (GRCh38, 1-based): chr19:38,500,819, A>C. VCF-style: chr19-38500819-A-C. GRCh37 (hg19) VCF-style: chr19-38991459-A-C.
Other names: c.7445-2A>C (NM_001042723.2).
Identifiers: ClinVar variation 4733661 (VCV004733661.1).

ClinVar aggregate classification (germline): Likely pathogenic (1 of 4 stars; one submission).

Conditions:
RYR1-related disorder. Also called: RYR1-related condition; RYR1-related disorders. Identifiers: MedGen CN239331.

Submission:

Labcorp Genetics (formerly Invitae), Labcorp
Classification: Likely pathogenic for RYR1-related disorder. Last evaluated: 2026-01-09. Review status: criteria provided, single submitter. Criteria: Invitae Variant Classification Sherloc (09022015). Collection method: clinical testing. Allele origin: germline.
Comment: This sequence change affects an acceptor splice site in intron 46 of the RYR1 gene. It is expected to disrupt RNA splicing. Variants that disrupt the donor or acceptor splice site typically lead to a loss of protein function (PMID: 16199547), and loss-of-function variants in RYR1 are known to be pathogenic (PMID: 23919265, 25960145, 28818389, 30611313). This variant is not present in population databases (gnomAD no frequency). This variant has not been reported in the literature in individuals affected with RYR1-related conditions. Algorithms developed to predict the effect of sequence changes on RNA splicing suggest that this variant may disrupt the consensus splice site. In summary, the currently available evidence indicates that the variant is pathogenic, but additional data are needed to prove that conclusively. Therefore, this variant has been classified as Likely Pathogenic.

Literature cited by the submitters: PubMed 16199547; PubMed 23919265; PubMed 25960145; PubMed 28818389; PubMed 30611313.